The following is an entry in ClinVar:

NM_006514.4(SCN10A):c.5693C>T (p.Thr1898Ile)

Gene: SCN10A (sodium voltage-gated channel alpha subunit 10; minus strand). Cytogenetic location: 3p22.2.
Variant type: single nucleotide variant.
Coding change: c.5693C>T on transcript NM_006514.4 (MANE Select); coding-DNA position 5693, C replaced by T.
Protein change: p.Thr1898Ile; replaces threonine 1898 with isoleucine.
Molecular consequence: missense variant.
Genome position (GRCh38, 1-based): chr3:38,697,527, G>A on the plus strand (C>T on the coding strand, the complement: SCN10A is on the minus strand). VCF-style: chr3-38697527-G-A. GRCh37 (hg19) VCF-style: chr3-38739018-G-A.
Other names: c.5690C>T, p.Thr1897Ile (NM_001293306.2); c.5399C>T, p.Thr1800Ile (NM_001293307.2); short protein forms T1898I, T1897I, T1800I.
Identifiers: ClinVar variation 432462 (VCV000432462.2), dbSNP rs1553612806, ClinGen allele CA352152549.
Genomic context (GRCh38, chr3:38,697,527, plus strand): 5'-GGGAATGATGTGGCAGAAGCAGTTTCAGATTTGTCTGGGAGTACACAATTTTCATTTGCT[G>A]TGAATGCAACAAAACCTTCATCTGGGAGTGATGCAGCCTCCTCCTCAGCTCTGGGCACAC-3'
Protein context (NP_006505.4, residues 1888-1908): SLPDEGFVAF[Thr1898Ile]ANENCVLPDK

ClinVar aggregate classification (germline): Uncertain significance (1 of 4 stars; one submission).

Submission:

GeneDx
Classification: Uncertain significance. Last evaluated: 2017-05-26. Review status: criteria provided, single submitter. Criteria: GeneDx Variant Classification (06012015). Collection method: clinical testing. Allele origin: germline. Affected: yes.
Comment: A variant of uncertain significance has been identified in the SCN10A gene. The T1898I variant has not been published as pathogenic or been reported as benign to our knowledge. This variant is also not observed in large population cohorts (Lek et al., 2016; 1000 Genomes Consortium et al., 2015; Exome Variant Server). The T1898I variant is a non-conservative amino acid substitution, which is likely to impact secondary protein structure as these residues differ in polarity, charge, size and/or other properties. However, this substitution occurs at a position that is not conserved across species and in silico analysis predicts this variant likely does not alter the protein structure/function.